The following is an entry in ClinVar:

ClinVar aggregate classification (germline): Uncertain significance (1 of 4 stars; one submission).

gnomAD v4.1: 19 of 1,614,150 alleles (0.0012%); highest among the groups gnomAD compares: East Asian, 0.025%; no homozygotes.

Submission:

Labcorp Genetics (formerly Invitae), Labcorp
Classification: Uncertain significance. Last evaluated: 2025-11-17. Review status: criteria provided, single submitter. Criteria: Invitae Variant Classification Sherloc (09022015). Collection method: clinical testing. Allele origin: germline.
Comment: This sequence change replaces arginine, which is basic and polar, with glycine, which is neutral and non-polar, at codon 48 of the PIBF1 protein (p.Arg48Gly). This variant is present in population databases (rs752301378, gnomAD 0.02%). This variant has not been reported in the literature in individuals affected with PIBF1-related conditions. Invitae Evidence Modeling of protein sequence and biophysical properties (such as structural, functional, and spatial information, amino acid conservation, physicochemical variation, residue mobility, and thermodynamic stability) indicates that this missense variant is not expected to disrupt PIBF1 protein function with a negative predictive value of 80%. In summary, the available evidence is currently insufficient to determine the role of this variant in disease. Therefore, it has been classified as a Variant of Uncertain Significance.

NM_006346.4(PIBF1):c.142A>G (p.Arg48Gly)

Gene: PIBF1 (progesterone immunomodulatory binding factor 1; plus strand). Cytogenetic location: 13q21.33.
Variant type: single nucleotide variant.
Coding change: c.142A>G on transcript NM_006346.4 (MANE Select); coding-DNA position 142, A replaced by G.
Protein change: p.Arg48Gly; replaces arginine 48 with glycine.
Molecular consequence: missense variant. On other transcripts: non-coding transcript variant (2).
Genome position (GRCh38, 1-based): chr13:72,783,611, A>G. VCF-style: chr13-72783611-A-G. GRCh37 (hg19) VCF-style: chr13-73357749-A-G.
Other names: c.142A>G, p.Arg48Gly (NM_001349655.2); short protein forms R48G.
Identifiers: ClinVar variation 4692810 (VCV004692810.1).